The following is an entry in ClinVar:

NM_000271.5(NPC1):c.852dup (p.Gly285fs)

Gene: NPC1 (NPC intracellular cholesterol transporter 1; minus strand). Cytogenetic location: 18q11.2.
Variant type: Duplication.
Coding change: c.852dup on transcript NM_000271.5 (MANE Select); coding-DNA position 852, one base duplicated (T; older notation c.852dupT).
Protein change: p.Gly285fs; shifts the reading frame from glycine 285.
Molecular consequence: frameshift variant.
Genome position (GRCh38, 1-based): chr18:23,560,260, A duplicated on the plus strand (T on the coding strand, the reverse complement: NPC1 is on the minus strand); the first of 6 consecutive A bases (chr18:23,560,260-23,560,265); duplicating any one gives the same sequence. VCF-style (leftmost placement, unchanged base first): chr18-23560259-C-CA. GRCh37 (hg19) VCF-style: chr18-21140223-C-CA.
Other names: c.852dupT (NM_000271.4); short protein forms G285fs.
Identifiers: ClinVar variation 554086 (VCV000554086.7), dbSNP rs762124334, ClinGen allele CA8913627.

ClinVar aggregate classification (germline): Pathogenic. Review status: criteria provided, single submitter (1 of 4 stars). 2 submissions from 2 submitters: Pathogenic (1). 1 of the submissions does not count toward it. Last evaluated 2023-10-29.

Conditions:
Niemann-Pick disease, type C1. Also called: NEUROVISCERAL STORAGE DISEASE WITH VERTICAL SUPRANUCLEAR OPHTHALMOPLEGIA; NIEMANN-PICK DISEASE WITH CHOLESTEROL ESTERIFICATION BLOCK; NIEMANN-PICK DISEASE WITHOUT SPHINGOMYELINASE DEFICIENCY; NIEMANN-PICK DISEASE, CHRONIC NEURONOPATHIC FORM; NIEMANN-PICK DISEASE, VARIANT TYPE C1. Identifiers: Orphanet 646, MedGen C3179455, MONDO:0009757, OMIM 257220.

Submissions (2):

Labcorp Genetics (formerly Invitae), Labcorp
Classification: Pathogenic for Niemann-Pick disease, type C1. Last evaluated: 2023-10-29. Review status: criteria provided, single submitter. Criteria: Invitae Variant Classification Sherloc (09022015). Collection method: clinical testing. Allele origin: germline.
Comment: This sequence change creates a premature translational stop signal (p.Gly285Trpfs*23) in the NPC1 gene. It is expected to result in an absent or disrupted protein product. Loss-of-function variants in NPC1 are known to be pathogenic (PMID: 9211850). This variant is present in population databases (rs762124334, gnomAD 0.004%). This variant has not been reported in the literature in individuals affected with NPC1-related conditions. ClinVar contains an entry for this variant (Variation ID: 554086). For these reasons, this variant has been classified as Pathogenic.

Counsyl
Classification: Likely pathogenic for Niemann-Pick disease, type C1. Last evaluated: 2017-09-26. Review status: no assertion criteria provided. Collection method: clinical testing. Allele origin: unknown. Not counted in ClinVar's aggregate classification.

Literature cited by the submitters: PubMed 9211850 (cited by Labcorp Genetics (formerly Invitae), Labcorp).